The following is an entry in ClinVar:

ClinVar aggregate classification (germline): Benign/Likely benign. Review status: criteria provided, multiple submitters, no conflicts (2 of 4 stars). 4 submissions from 4 submitters: Benign (1); Likely benign (1). 2 of the submissions do not count toward it. Last evaluated 2022-07-01.

Allele frequency attached by ClinVar (database versions not stated): 1000 Genomes Project 30x 0.00109; 1000 Genomes Project 0.00120; gnomAD 0.00183 and 0.00188; TOPMed 0.00196; ExAC 0.00229; ESP Exome Variant Server 0.00293.
gnomAD v4.1: 3,606 of 1,610,654 alleles (0.22%); highest among the groups gnomAD compares: Middle Eastern, 0.26%; 14 homozygotes.

Submissions (7):

CeGaT Center for Human Genetics Tuebingen
Classification: Benign. Last evaluated: 2022-07-01. Review status: criteria provided, single submitter. Criteria: CeGaT Center For Human Genetics Tuebingen Variant Classification Criteria Version 2. Collection method: clinical testing. Allele origin: germline. Affected: yes. Observed: 2 variant alleles.
Comment: JPH3: BS1, BS2

Breakthrough Genomics
Classification: Likely benign. Review status: criteria provided, single submitter. Criteria: ACMG Guidelines, 2015. Collection method: not provided. Allele origin: germline. Inheritance: Autosomal dominant inheritance. Affected: yes.

Clinical Genetics DNA and cytogenetics Diagnostics Lab, Erasmus MC, Erasmus Medical Center
Classification: Likely benign. Review status: no assertion criteria provided. Collection method: clinical testing. Allele origin: germline. Affected: yes. Study: VKGL Data-share Consensus. Not counted in ClinVar's aggregate classification.

Dr. Peter K. Rogan Lab, Western University
No classification provided (evidence only). Condition: Thyroid cancer, nonmedullary, 1. Review status: no classification provided. Collection method: in vitro. Allele origin: not applicable. Functional consequence: retained intron. Not counted in ClinVar's aggregate classification.

Dr. Peter K. Rogan Lab, Western University
No classification provided (evidence only). Condition: Cervical cancer. Review status: no classification provided. Collection method: in vitro. Allele origin: not applicable. Functional consequence: retained intron. Not counted in ClinVar's aggregate classification.

Dr. Peter K. Rogan Lab, Western University
No classification provided (evidence only). Condition: Uterine carcinosarcoma. Review status: no classification provided. Collection method: in vitro. Allele origin: not applicable. Functional consequence: retained intron. Not counted in ClinVar's aggregate classification.

Genome Diagnostics Laboratory, University Medical Center Utrecht
Classification: Likely benign. Review status: no assertion criteria provided. Collection method: clinical testing. Allele origin: germline. Affected: yes. Study: VKGL Data-share Consensus. Not counted in ClinVar's aggregate classification.

NM_020655.4(JPH3):c.406G>A (p.Gly136Ser)

Gene: JPH3 (junctophilin 3; plus strand). Cytogenetic location: 16q24.2.
Variant type: single nucleotide variant.
Coding change: c.406G>A on transcript NM_020655.4 (MANE Select); coding-DNA position 406, G replaced by A.
Protein change: p.Gly136Ser; replaces glycine 136 with serine.
Molecular consequence: missense variant. On other transcripts: non-coding transcript variant (1).
Genome position (GRCh38, 1-based): chr16:87,644,281, G>A. VCF-style: chr16-87644281-G-A. GRCh37 (hg19) VCF-style: chr16-87677887-G-A.
Other names: NC_000016.9:g.87677887G>A; short protein forms G136S.
Identifiers: ClinVar variation 1284993 (VCV001284993.28), dbSNP rs149647215, ClinGen allele CA8220684.